The following is an entry in ClinVar:

ClinVar aggregate classification (germline): Pathogenic (1 of 4 stars; one submission).

Submission:

Labcorp Genetics (formerly Invitae), Labcorp
Classification: Pathogenic. Last evaluated: 2021-02-17. Review status: criteria provided, single submitter. Criteria: Invitae Variant Classification Sherloc (09022015). Collection method: clinical testing. Allele origin: germline.
Comment: This sequence change creates a premature translational stop signal (p.Leu113*) in the CEP250 gene. It is expected to result in an absent or disrupted protein product. Loss-of-function variants in CEP250 are known to be pathogenic (PMID: 24780881, 29718797). This variant is not present in population databases (ExAC no frequency). This variant has not been reported in the literature in individuals with CEP250-related conditions. For these reasons, this variant has been classified as Pathogenic.

Literature cited by the submitters: PubMed 24780881; PubMed 29718797.

NM_007186.6(CEP250):c.337del (p.Ser112_Leu113insTer)

Gene: CEP250 (centrosomal protein 250; plus strand). Cytogenetic location: 20q11.22.
Variant type: Deletion.
Coding change: c.337del on transcript NM_007186.6 (MANE Select); coding-DNA position 337, one base deleted (C; older notation c.337delC).
Protein change: p.Ser112_Leu113insTer.
Molecular consequence: nonsense. On other transcripts: 5 prime UTR variant (1).
Genome position (GRCh38, 1-based): chr20:35,466,049, C deleted. VCF-style (leftmost placement, unchanged base first): chr20-35466048-TC-T. GRCh37 (hg19) VCF-style: chr20-34053873-TC-T.
Other names: c.-1563del (NM_001318219.1).
Identifiers: ClinVar variation 1359477 (VCV001359477.6), dbSNP rs2146707223, ClinGen allele CA2573157060.